The following is an entry in ClinVar:

NM_001291303.3(FAT4):c.4069A>T (p.Thr1357Ser)

Gene: FAT4 (FAT atypical cadherin 4; plus strand). Cytogenetic location: 4q28.1.
Variant type: single nucleotide variant.
Coding change: c.4069A>T on transcript NM_001291303.3 (MANE Select); coding-DNA position 4069, A replaced by T.
Protein change: p.Thr1357Ser; replaces threonine 1357 with serine.
Molecular consequence: missense variant.
Genome position (GRCh38, 1-based): chr4:125,320,480, A>T. VCF-style: chr4-125320480-A-T. GRCh37 (hg19) VCF-style: chr4-126241635-A-T.
Other names: c.4069A>T (NM_024582.5); c.4069A>T, p.Thr1357Ser (NM_001291285.3, NM_024582.6); short protein forms T1357S.
Identifiers: ClinVar variation 1478804 (VCV001478804.13), dbSNP rs375109338, ClinGen allele CA3072407.

ClinVar aggregate classification (germline): Conflicting classifications of pathogenicity. Review status: criteria provided, conflicting classifications (1 of 4 stars). 4 submissions from 4 submitters: Uncertain significance (3); Likely benign (1). Last evaluated 2025-12-19.

Conditions:
Van Maldergem syndrome 2 (VMLDS2). Identifiers: Orphanet 314679, MedGen C3809875, MONDO:0014242, OMIM 615546.
Hennekam lymphangiectasia-lymphedema syndrome 2 (HKLLS2). Identifiers: Orphanet 2136, MedGen C4014939, MONDO:0014454, OMIM 616006.

Allele frequency attached by ClinVar (database versions not stated): gnomAD 0.00004 and 0.00006; ExAC 0.00006; gnomAD exomes 0.00006; TOPMed 0.00006; ESP Exome Variant Server 0.00017.
gnomAD v4.1: 63 of 1,613,992 alleles (0.0039%); highest among the groups gnomAD compares: Middle Eastern, 0.016%; no homozygotes.

Submissions (4):

Labcorp Genetics (formerly Invitae), Labcorp
Classification: Uncertain significance. Last evaluated: 2025-12-19. Review status: criteria provided, single submitter. Criteria: Invitae Variant Classification Sherloc (09022015). Collection method: clinical testing. Allele origin: germline.
Comment: This sequence change replaces threonine, which is neutral and polar, with serine, which is neutral and polar, at codon 1357 of the FAT4 protein (p.Thr1357Ser). This variant is present in population databases (rs375109338, gnomAD 0.04%). This variant has not been reported in the literature in individuals affected with FAT4-related conditions. ClinVar contains an entry for this variant (Variation ID: 1478804). Invitae Evidence Modeling of protein sequence and biophysical properties (such as structural, functional, and spatial information, amino acid conservation, physicochemical variation, residue mobility, and thermodynamic stability) indicates that this missense variant is not expected to disrupt FAT4 protein function with a negative predictive value of 95%. In summary, the available evidence is currently insufficient to determine the role of this variant in disease. Therefore, it has been classified as a Variant of Uncertain Significance.

CeGaT Center for Human Genetics Tuebingen
Classification: Uncertain significance. Last evaluated: 2025-09-01. Review status: criteria provided, single submitter. Criteria: CeGaT Center For Human Genetics Tuebingen Variant Classification Criteria Version 2. Collection method: clinical testing. Allele origin: germline. Affected: yes. Observed: 1 variant allele.
Comment: FAT4: PM2

Fulgent Genetics
Classification: Uncertain significance for Van Maldergem syndrome 2; Hennekam lymphangiectasia-lymphedema syndrome 2. Last evaluated: 2024-05-24. Review status: criteria provided, single submitter. Criteria: ACMG Guidelines, 2015. Collection method: clinical testing. Allele origin: germline.

Blueprint Genetics
Classification: Likely benign. Last evaluated: 2024-04-03. Review status: criteria provided, single submitter. Criteria: ACMG Guidelines, 2015. Collection method: clinical testing. Allele origin: germline.